The following is an entry in ClinVar:

ClinVar aggregate classification (germline): Uncertain significance (1 of 4 stars; one submission).

Allele frequency attached by ClinVar (database versions not stated): gnomAD exomes below 0.00001.
gnomAD v4.1: 2 of 1,613,572 alleles (0.00012%); highest among the groups gnomAD compares: Non-Finnish European, 0.000085%; no homozygotes.

Submission:

Labcorp Genetics (formerly Invitae), Labcorp
Classification: Uncertain significance. Last evaluated: 2021-05-20. Review status: criteria provided, single submitter. Criteria: Invitae Variant Classification Sherloc (09022015). Collection method: clinical testing. Allele origin: germline.
Comment: Advanced modeling of protein sequence and biophysical properties (such as structural, functional, and spatial information, amino acid conservation, physicochemical variation, residue mobility, and thermodynamic stability) performed at Invitae indicates that this missense variant is not expected to disrupt KMT2A protein function. In summary, the available evidence is currently insufficient to determine the role of this variant in disease. Therefore, it has been classified as a Variant of Uncertain Significance. This variant has not been reported in the literature in individuals with KMT2A-related conditions. This variant is not present in population databases (ExAC no frequency). This sequence change replaces glycine with valine at codon 539 of the KMT2A protein (p.Gly539Val). The glycine residue is moderately conserved and there is a moderate physicochemical difference between glycine and valine.

NM_001197104.2(KMT2A):c.1616G>T (p.Gly539Val)

Gene: KMT2A (lysine methyltransferase 2A; plus strand). Cytogenetic location: 11q23.3.
Variant type: single nucleotide variant.
Coding change: c.1616G>T on transcript NM_001197104.2 (MANE Select); coding-DNA position 1616, G replaced by T.
Protein change: p.Gly539Val; replaces glycine 539 with valine.
Molecular consequence: missense variant.
Genome position (GRCh38, 1-based): chr11:118,472,775, G>T. VCF-style: chr11-118472775-G-T. GRCh37 (hg19) VCF-style: chr11-118343490-G-T.
Other names: c.1616G>T, p.Gly539Val (NM_005933.4); short protein forms G539V.
Identifiers: ClinVar variation 1417936 (VCV001417936.8), dbSNP rs2134263073, ClinGen allele CA382810498.